The following is an entry in ClinVar:

ClinVar aggregate classification (germline): Pathogenic/Likely pathogenic. Review status: criteria provided, multiple submitters, no conflicts (2 of 4 stars). 2 submissions from 2 submitters: Pathogenic (1); Likely pathogenic (1). Last evaluated 2023-05-17.

Conditions:
Microcephaly, normal intelligence and immunodeficiency (NBS). Also called: Ataxia telangiectasia variant V1; IMMUNODEFICIENCY, MICROCEPHALY, AND CHROMOSOMAL INSTABILITY; SEEMANOVA SYNDROME II; Immunodeficiency, microcephaly with normal intelligence; Nijmegen breakage syndrome; Microcephaly with normal intelligence immunodeficiency and lymphoreticular malignancies. Identifiers: Orphanet 647, MedGen C0398791, MONDO:0009623, OMIM 251260.
Hereditary cancer-predisposing syndrome. Also called: Hereditary Cancer Syndrome; Hereditary neoplastic syndrome; Neoplastic Syndromes, Hereditary; Tumor predisposition. Identifiers: Orphanet 140162, MedGen C0027672, MeSH D009386, MONDO:0015356.

Submissions (2):

Ambry Genetics
Classification: Pathogenic for Hereditary cancer-predisposing syndrome. Last evaluated: 2023-05-17. Review status: criteria provided, single submitter. Criteria: Ambry Variant Classification Scheme 2023. Collection method: clinical testing. Allele origin: germline.
Comment: The p.E257* pathogenic mutation (also known as c.769G>T), located in coding exon 7 of the NBN gene, results from a G to T substitution at nucleotide position 769. This changes the amino acid from a glutamic acid to a stop codon within coding exon 7. This variant is considered to be rare based on population cohorts in the Genome Aggregation Database (gnomAD). This alteration is expected to result in loss of function by premature protein truncation or nonsense-mediated mRNA decay. As such, this alteration is interpreted as a disease-causing mutation.

Myriad Genetics, Inc.
Classification: Likely pathogenic for Microcephaly, normal intelligence and immunodeficiency. Last evaluated: 2022-01-31. Review status: criteria provided, single submitter. Criteria: Myriad Women's Health Autosomal Recessive and X-Linked Classification Criteria (2021). Collection method: clinical testing. Allele origin: unknown.
Comment: NM_002485.4(NBN):c.769G>T(E257*) is expected to be pathogenic in the context of Nijmegen breakage syndrome. This variant is predicted to lead to an abnormal or absent protein product due to the creation of a premature termination codon in NBN, a gene where loss-of-function variants are known to be pathogenic. Please note: this variant was assessed in the context of healthy population screening.

NM_002485.5(NBN):c.769G>T (p.Glu257Ter)

Gene: NBN (nibrin; minus strand). Cytogenetic location: 8q21.3.
Variant type: single nucleotide variant.
Coding change: c.769G>T on transcript NM_002485.5 (MANE Select); coding-DNA position 769, G replaced by T.
Protein change: p.Glu257Ter; replaces glutamic acid 257 with a stop codon.
Molecular consequence: nonsense.
Genome position (GRCh38, 1-based): chr8:89,970,491, C>A on the plus strand (G>T on the coding strand, the complement: NBN is on the minus strand). VCF-style: chr8-89970491-C-A. GRCh37 (hg19) VCF-style: chr8-90982719-C-A.
Other names: c.523G>T, p.Glu175Ter (NM_001024688.3); short protein forms E175*, E257*.
Identifiers: ClinVar variation 1724178 (VCV001724178.4), dbSNP rs878854516, ClinGen allele CA371658710.